The following is an entry in ClinVar:

ClinVar aggregate classification (germline): Conflicting classifications of pathogenicity. Review status: criteria provided, conflicting classifications (1 of 4 stars). 5 submissions from 5 submitters: Uncertain significance (2); Likely benign (3). Last evaluated 2026-01-19.

Conditions:
MYO7A-related disorder. Also called: MYO7A-related disorders.
Autosomal dominant nonsyndromic hearing loss 11. Identifiers: Orphanet 90635, MedGen C1832475, MONDO:0011032, OMIM 601317.
Autosomal recessive nonsyndromic hearing loss 2. Also called: DEAFNESS, AUTOSOMAL RECESSIVE 2; NEUROSENSORY NONSYNDROMIC RECESSIVE DEAFNESS 2. Identifiers: Orphanet 90636, MedGen C1838701, MONDO:0010807, OMIM 600060.
Usher syndrome type 1 (USH1). Also called: RETINITIS PIGMENTOSA AND CONGENITAL DEAFNESS. Identifiers: Orphanet 231169, Orphanet 886, MedGen C1568247, MONDO:0010168, OMIM 276900.

Allele frequency attached by ClinVar (database versions not stated): gnomAD 0.00003; gnomAD exomes 0.00003; ExAC 0.00006; 1000 Genomes Project 30x 0.00016; ESP Exome Variant Server 0.00016; 1000 Genomes Project 0.00020; TOPMed 0.00023.
gnomAD v4.1: 78 of 1,613,954 alleles (0.0048%); highest among the groups gnomAD compares: Admixed American, 0.02%; no homozygotes.

Submissions (5):

Labcorp Genetics (formerly Invitae), Labcorp
Classification: Likely benign. Last evaluated: 2026-01-19. Review status: criteria provided, single submitter. Criteria: Invitae Variant Classification Sherloc (09022015). Collection method: clinical testing. Allele origin: germline.

PreventionGenetics, part of Exact Sciences
Classification: Likely benign for MYO7A-related condition. Last evaluated: 2024-12-19. Review status: criteria provided, single submitter. Criteria: ACMG Guidelines, 2015. Collection method: clinical testing. Allele origin: germline.
Comment: This variant is classified as likely benign based on ACMG/AMP sequence variant interpretation guidelines (Richards et al. 2015 PMID: 25741868, with internal and published modifications).

Fulgent Genetics
Classification: Uncertain significance for Usher syndrome type 1; Autosomal recessive nonsyndromic hearing loss 2; Autosomal dominant nonsyndromic hearing loss 11. Last evaluated: 2024-06-16. Review status: criteria provided, single submitter. Criteria: ACMG Guidelines, 2015. Collection method: clinical testing. Allele origin: germline.

GeneDx
Classification: Uncertain significance. Last evaluated: 2019-04-15. Review status: criteria provided, single submitter. Criteria: GeneDx Variant Classification Process June 2021. Collection method: clinical testing. Allele origin: germline. Affected: yes.
Comment: Has not been previously published as pathogenic or benign to our knowledge; In silico analysis, which includes splice predictors and evolutionary conservation, suggests this variant may impact gene splicing. In the absence of RNA/functional studies, the actual effect of this sequence change is unknown.

Laboratory for Molecular Medicine, Mass General Brigham Personalized Medicine
Classification: Likely benign. Last evaluated: 2012-04-30. Review status: criteria provided, single submitter. Criteria: LMM Criteria. Collection method: clinical testing. Allele origin: germline. Observed: 1 variant allele.
Comment: Thr1496Thr in Exon 34 of MYO7A: This variant is not expected to have clinical si gnificance because it does not alter an amino acid residue, is not located withi n the splice consensus sequence, and has been identified in 1/6862 European Amer ican chromosomes from a broad population by the NHLBI Exome Sequencing Project.

NM_000260.4(MYO7A):c.4488G>A (p.Thr1496=)

Gene: MYO7A (myosin VIIA; plus strand). Cytogenetic location: 11q13.5.
Variant type: single nucleotide variant.
Coding change: c.4488G>A on transcript NM_000260.4 (MANE Select); coding-DNA position 4488, G replaced by A.
Protein change: p.Thr1496=; no amino-acid change (threonine 1496 retained).
Molecular consequence: synonymous variant.
Genome position (GRCh38, 1-based): chr11:77,198,541, G>A. VCF-style: chr11-77198541-G-A. GRCh37 (hg19) VCF-style: chr11-76909586-G-A.
Other names: c.4488G>A, p.Thr1496= (NM_001127180.2); c.4455G>A, p.Thr1485= (NM_001369365.1).
Identifiers: ClinVar variation 164705 (VCV000164705.15), dbSNP rs376743356, ClinGen allele CA177393.